The following is an entry in ClinVar:

NM_001035.3(RYR2):c.4843C>A (p.Gln1615Lys)

Gene: RYR2 (ryanodine receptor 2; plus strand). Cytogenetic location: 1q43.
Variant type: single nucleotide variant.
Coding change: c.4843C>A on transcript NM_001035.3 (MANE Select); coding-DNA position 4843, C replaced by A.
Protein change: p.Gln1615Lys; replaces glutamine 1615 with lysine.
Molecular consequence: missense variant.
Genome position (GRCh38, 1-based): chr1:237,610,921, C>A. VCF-style: chr1-237610921-C-A. GRCh37 (hg19) VCF-style: chr1-237774221-C-A.
Other names: short protein forms Q1615K.
Identifiers: ClinVar variation 4758921 (VCV004758921.1).

ClinVar aggregate classification (germline): Uncertain significance (1 of 4 stars; one submission).

Conditions:
Cardiomyopathy (CMYO). Also called: Cardiomyopathies. Identifiers: Orphanet 167848, MedGen C0878544, MONDO:0004994, HP:0001638. Inheritance: Various modes of inheritance.

Submission:

Color Diagnostics, LLC DBA Color Health
Classification: Uncertain significance for Cardiomyopathy. Last evaluated: 2025-07-15. Review status: criteria provided, single submitter. Criteria: ACMG Guidelines, 2015. Collection method: clinical testing. Allele origin: germline.
Comment: This missense variant replaces glutamine with lysine at codon 1615 of the RYR2 protein. Computational prediction suggests that this variant may not impact protein structure and function. To our knowledge, functional studies have not been reported for this variant. This variant has not been reported in individuals affected with RYR2-related disorders in the literature. This variant has not been identified in the general population by the Genome Aggregation Database (gnomAD). The available evidence is insufficient to determine the role of this variant in disease conclusively. Therefore, this variant is classified as a Variant of Uncertain Significance.